The following is an entry in ClinVar:

ClinVar aggregate classification (germline): Likely benign (1 of 4 stars; one submission).

Allele frequency attached by ClinVar (database versions not stated): ExAC 0.00013; ESP Exome Variant Server 0.00024; gnomAD 0.00033; TOPMed 0.00037; 1000 Genomes Project 30x 0.00094; 1000 Genomes Project 0.00100.
gnomAD v4.1: 120 of 1,610,550 alleles (0.0075%); highest among the groups gnomAD compares: African/African-American, 0.087%; no homozygotes.

Submission:

CeGaT Center for Human Genetics Tuebingen
Classification: Likely benign. Last evaluated: 2022-11-01. Review status: criteria provided, single submitter. Criteria: CeGaT Center For Human Genetics Tuebingen Variant Classification Criteria Version 2. Collection method: clinical testing. Allele origin: germline. Affected: yes. Observed: 1 variant allele.
Comment: NCOR2: BP4, BP7

NM_006312.6(NCOR2):c.657C>T (p.Ile219=)

Genes: NCOR2 (nuclear receptor corepressor 2; minus strand), LOC106783497 (conserved acetylation island sequence 32 enhancer; plus strand). Cytogenetic location: 12q24.31.
Variant type: single nucleotide variant.
Coding change: c.657C>T on transcript NM_006312.6 (MANE Select); coding-DNA position 657, C replaced by T.
Protein change: p.Ile219=; no amino-acid change (isoleucine 219 retained).
Molecular consequence: synonymous variant.
Genome position (GRCh38, 1-based): chr12:124,466,221, G>A on the plus strand (C>T on the coding strand, the complement: NCOR2 is on the minus strand). VCF-style: chr12-124466221-G-A. GRCh37 (hg19) VCF-style: chr12-124950767-G-A.
Other names: c.657C>T, p.Ile219= (NM_001077261.4, NM_001206654.2).
Identifiers: ClinVar variation 2643564 (VCV002643564.24), dbSNP rs374534970, ClinGen allele CA6869841.
Genomic context (GRCh38, chr12:124,466,221, plus strand): 5'-GGGGACACATACCCGGTTCTCGTCGTAGATGATCTGCACCAGGCTGCGGTGCTTCGACTC[G>A]ATGGGCGGCGGTGACACGGGCTTCTCAGGCTCGGGCGGCTTGGCAGCCTCCTCCTCCAGC-3'
Protein context (NP_006303.4, residues 209-229): EPEKPVSPPP[Ile219=]ESKHRSLVQI